The following is an entry in ClinVar:

ClinVar aggregate classification (germline): Benign/Likely benign. Review status: criteria provided, multiple submitters, no conflicts (2 of 4 stars). 5 submissions from 5 submitters: Benign (2); Likely benign (2). 1 of the submissions does not count toward it. Last evaluated 2026-02-03.

Conditions:
CHD2-related disorder. Also called: CHD2-related condition.
Developmental and epileptic encephalopathy 94 (DEE94). Also called: CHD2-Related Neurodevelopmental Disorders; Epileptic encephalopathy, childhood-onset. Identifiers: Orphanet 1942, Orphanet 2382, MedGen C3809278, MONDO:0014150, OMIM 615369.
Inborn genetic diseases. Identifiers: MedGen C0950123, MeSH D030342.

Allele frequency attached by ClinVar (database versions not stated): gnomAD 0.00003; gnomAD exomes 0.00004 and 0.00021; TOPMed 0.00011; ExAC 0.00015.

Submissions (5):

Labcorp Genetics (formerly Invitae), Labcorp
Classification: Likely benign for Developmental and epileptic encephalopathy 94. Last evaluated: 2026-02-03. Review status: criteria provided, single submitter. Criteria: Invitae Variant Classification Sherloc (09022015). Collection method: clinical testing. Allele origin: germline.

Mayo Clinic Laboratories, Mayo Clinic
Classification: Benign. Last evaluated: 2020-11-24. Review status: criteria provided, single submitter. Criteria: ACMG Guidelines, 2015. Collection method: clinical testing. Allele origin: germline. Observed: 2 variant alleles.

GeneDx
Classification: Benign. Last evaluated: 2020-03-02. Review status: criteria provided, single submitter. Criteria: GeneDx Variant Classification Process June 2021. Collection method: clinical testing. Allele origin: germline. Affected: yes.

Ambry Genetics
Classification: Likely benign for Inborn genetic diseases. Last evaluated: 2017-12-19. Review status: criteria provided, single submitter. Criteria: Ambry Variant Classification Scheme 2023. Collection method: clinical testing. Allele origin: germline.

PreventionGenetics, part of Exact Sciences
Classification: Likely benign for CHD2-related condition. Last evaluated: 2021-11-11. Review status: no assertion criteria provided. Collection method: clinical testing. Allele origin: germline. Not counted in ClinVar's aggregate classification.
Comment: This variant is classified as likely benign based on ACMG/AMP sequence variant interpretation guidelines (Richards et al. 2015 PMID: 25741868, with internal and published modifications).

NM_001271.4(CHD2):c.4231_4233del (p.Lys1411del)

Gene: CHD2 (chromodomain helicase DNA binding protein 2; plus strand). Cytogenetic location: 15q26.1.
Variant type: Deletion.
Coding change: c.4231_4233del on transcript NM_001271.4 (MANE Select); coding-DNA positions 4231 to 4233, 3 bases deleted (AAA; older notation c.4231_4233delAAA).
Protein change: p.Lys1411del; deletes lysine 1411.
Molecular consequence: inframe deletion.
Genome position (GRCh38, 1-based): chr15:93,002,270-93,002,272, AAA deleted. VCF-style (leftmost placement, unchanged base first): chr15-93002269-CAAA-C. GRCh37 (hg19) VCF-style: chr15-93545499-CAAA-C.
Other names: p.Lys1411del; c.4231_4233del (NM_001271.3); short protein forms K1411del.
Identifiers: ClinVar variation 238882 (VCV000238882.21), dbSNP rs746694647, ClinGen allele CA7748416.
Genomic context (GRCh38, chr15:93,002,269, plus strand): 5'-AAAACAGAAGAAGAAAGAGAACAAGGAGAACAAGGAGAAACAAATGAGTTCTAGGAAAGA[CAAA>C]GAAGGGGACAAGGAAAGAAAGAAGTCAAAAGATAAGAAAGAGAAGGTAATGATGCCCTTC-3'